The following is an entry in ClinVar:

ClinVar aggregate classification (germline): Uncertain significance (1 of 4 stars; one submission).

Conditions:
CDH2-related disorder. Also called: CDH2-related condition.

Submission:

PreventionGenetics, part of Exact Sciences
Classification: Uncertain significance for CDH2-related condition. Last evaluated: 2025-02-06. Review status: criteria provided, single submitter. Criteria: ACMG Guidelines, 2015. Collection method: clinical testing. Allele origin: germline.
Comment: The CDH2 c.1742-4_1742-1delTCAG variant is predicted to result in a deletion affecting a canonical splice site. To our knowledge, this variant has not been reported in the literature or in a large population database (gnomAD), indicating this variant is rare. Loss of function is not an established mechanism of CDH2-related disease. Although we suspect that this variant may be pathogenic, at this time, the clinical significance of this variant is uncertain due to the absence of conclusive functional and genetic evidence.

NM_001792.5(CDH2):c.1742-4_1742-1del

Gene: CDH2 (cadherin 2; minus strand). Cytogenetic location: 18q12.1.
Variant type: Deletion.
Coding change: c.1742-4_1742-1del on transcript NM_001792.5 (MANE Select); 4 bases into the intron before coding-DNA position 1742 through the canonical splice acceptor site of the intron before coding-DNA position 1742, 4 bases deleted (TCAG; older notation c.1742-4_1742-1delTCAG).
Molecular consequence: splice acceptor variant.
Genome position (GRCh38, 1-based): chr18:27,985,762-27,985,765, CTGA deleted on the plus strand (TCAG on the coding strand, the reverse complement: CDH2 is on the minus strand). VCF-style (leftmost placement, unchanged base first): chr18-27985761-CCTGA-C. GRCh37 (hg19) VCF-style: chr18-25565725-CCTGA-C.
Other names: c.1649-4_1649-1del (NM_001308176.2).
Identifiers: ClinVar variation 5000409 (VCV005000409.1).